The following is an entry in ClinVar:

ClinVar aggregate classification (germline): Uncertain significance. Review status: criteria provided, multiple submitters, no conflicts (2 of 4 stars). 2 submissions from 2 submitters: Uncertain significance (2). Last evaluated 2022-07-09.

Conditions:
Inborn genetic diseases. Identifiers: MedGen C0950123, MeSH D030342.
Inflammatory bowel disease 25. Also called: Inflammatory bowel disease 25, early onset, autosomal recessive. Identifiers: Orphanet 238569, MedGen C2675508, MONDO:0012941, OMIM 612567.

Allele frequency attached by ClinVar (database versions not stated): ExAC 0.00002; gnomAD 0.00002 and 0.00003; TOPMed 0.00004; gnomAD exomes 0.00005.
gnomAD v4.1: 91 of 1,613,942 alleles (0.0056%); highest among the groups gnomAD compares: Non-Finnish European, 0.0069%; no homozygotes.

Submissions (2):

Labcorp Genetics (formerly Invitae), Labcorp
Classification: Uncertain significance for Inflammatory bowel disease 25. Last evaluated: 2022-07-09. Review status: criteria provided, single submitter. Criteria: Invitae Variant Classification Sherloc (09022015). Collection method: clinical testing. Allele origin: germline.
Comment: This sequence change replaces arginine, which is basic and polar, with glutamine, which is neutral and polar, at codon 198 of the IL10RB protein (p.Arg198Gln). This variant is present in population databases (rs774890824, gnomAD 0.009%). This variant has not been reported in the literature in individuals affected with IL10RB-related conditions. ClinVar contains an entry for this variant (Variation ID: 1047787). Algorithms developed to predict the effect of missense changes on protein structure and function (SIFT, PolyPhen-2, Align-GVGD) all suggest that this variant is likely to be tolerated. Algorithms developed to predict the effect of sequence changes on RNA splicing suggest that this variant may create or strengthen a splice site. In summary, the available evidence is currently insufficient to determine the role of this variant in disease. Therefore, it has been classified as a Variant of Uncertain Significance.

Ambry Genetics
Classification: Uncertain significance for Inborn genetic diseases. Last evaluated: 2022-06-21. Review status: criteria provided, single submitter. Criteria: Ambry Variant Classification Scheme 2023. Collection method: clinical testing. Allele origin: germline.

NM_000628.5(IL10RB):c.593G>A (p.Arg198Gln)

Genes: IFNAR2-IL10RB (IFNAR2-IL10RB readthrough; plus strand), IL10RB (interleukin 10 receptor subunit beta; plus strand). Cytogenetic location: 21q22.11.
Variant type: single nucleotide variant.
Coding change: c.593G>A on transcript NM_000628.5 (MANE Select); coding-DNA position 593, G replaced by A.
Protein change: p.Arg198Gln; replaces arginine 198 with glutamine.
Molecular consequence: missense variant.
Genome position (GRCh38, 1-based): chr21:33,283,188, G>A. VCF-style: chr21-33283188-G-A. GRCh37 (hg19) VCF-style: chr21-34655493-G-A.
Other names: c.593G>A (NM_000628.3); short protein forms R198Q.
Identifiers: ClinVar variation 1047787 (VCV001047787.5), dbSNP rs774890824, ClinGen allele CA10006173.